The following is an entry in ClinVar:

ClinVar aggregate classification (germline): Pathogenic/Likely pathogenic. Review status: criteria provided, multiple submitters, no conflicts (2 of 4 stars). 7 submissions from 7 submitters: Pathogenic (3); Likely pathogenic (3). 1 of the submissions does not count toward it. Last evaluated 2025-09-02.

Conditions:
VPS13B-related disorder. Also called: VPS13B-related condition.
Cohen syndrome (COH1). Also called: PEPPER SYNDROME; Cutis verticis gyrata, retinitis pigmentosa, and sensorineural deafness. Identifiers: Orphanet 193, MedGen C0265223, MONDO:0008999, OMIM 216550.

Allele frequency attached by ClinVar (database versions not stated): gnomAD exomes 0.00001; TOPMed 0.00001; ExAC 0.00002; gnomAD 0.00002.
gnomAD v4.1: 11 of 1,613,194 alleles (0.00068%); highest among the groups gnomAD compares: African/African-American, 0.0013%; no homozygotes.

Submissions (7):

Labcorp Genetics (formerly Invitae), Labcorp
Classification: Pathogenic for Cohen syndrome. Last evaluated: 2025-09-02. Review status: criteria provided, single submitter. Criteria: Invitae Variant Classification Sherloc (09022015). Collection method: clinical testing. Allele origin: germline.
Comment: This sequence change creates a premature translational stop signal (p.Arg502*) in the VPS13B gene. It is expected to result in an absent or disrupted protein product. Loss-of-function variants in VPS13B are known to be pathogenic (PMID: 15141358, 16648375, 20461111). This variant is present in population databases (rs180177354, gnomAD 0.003%). This premature translational stop signal has been observed in individual(s) with Cohen syndrome (PMID: 15154116, 16648375). ClinVar contains an entry for this variant (Variation ID: 68083). For these reasons, this variant has been classified as Pathogenic.

Dasa
Classification: Pathogenic. Last evaluated: 2025-08-31. Review status: criteria provided, single submitter. Criteria: DASA Assertion Criteria. Collection method: clinical testing. Allele origin: germline.
Comment: NM_152564.5(VPS13B):c.1504C>T (p.Arg502*) introduces a premature termination codon predicted to result in loss of normal protein function. Loss-of-function is an established mechanism of disease for this gene. This variant has been recurrently observed in individuals with related phenotype (PMID: 16648375; PMID: 15154116). The variant is present at low frequency in population datasets. Based on the available data, this variant is classified as pathogenic.

Fulgent Genetics
Classification: Likely pathogenic for Cohen syndrome. Last evaluated: 2024-04-25. Review status: criteria provided, single submitter. Criteria: ACMG Guidelines, 2015. Collection method: clinical testing. Allele origin: germline.

Neuberg Centre For Genomic Medicine, NCGM
Classification: Likely pathogenic for Cohen syndrome. Last evaluated: 2023-07-22. Review status: criteria provided, single submitter. Criteria: ACMG Guidelines, 2015. Collection method: clinical testing. Allele origin: germline. Inheritance: Autosomal recessive inheritance. Affected: yes.
Comment: The observed stop gained c.1504C>Tp.Arg502Ter variant in VPS13B gene has been reported previously in individuals affected with Cohen syndrome Tsangaris E, et al., 2011; Hennies HC, et al., 2004. The c.1504C>T variant is present with 0.001% in gnomAD Exomes. This variant has been submitted to the ClinVar database as Likely Pathogenic / Pathogenic. Computational evidence MutationTaster - Disease causing predicts damaging effect on protein structure and function for this variant. The nucleotide change c.1504C>T in VPS13B is predicted as conserved by GERP++ and PhyloP across 100 vertebrates. This sequence change creates a premature translational stop signal p.Arg502Ter in the VPS13B gene. This variant is predicted to cause loss of normal protein function through protein truncation. Loss of function variants in VPS13B gene have been previously reported to be disease causing Parri V, et al., 2010. However, additional functional studies will be required to prove the pathogenicity of this variant. For these reasons, this variant has been classified as Likely Pathogenic.

Women's Health and Genetics/Laboratory Corporation of America, LabCorp
Classification: Likely pathogenic for Cohen syndrome. Last evaluated: 2022-06-16. Review status: criteria provided, single submitter. Criteria: LabCorp Variant Classification Summary - May 2015. Collection method: clinical testing. Allele origin: germline.
Comment: Variant summary: VPS13B c.1504C>T (p.Arg502X) results in a premature termination codon, predicted to cause a truncation of the encoded protein or absence of the protein due to nonsense mediated decay, which are commonly known mechanisms for disease. Truncations downstream of this position have been classified as pathogenic by our laboratory (eg. c.4411C>T (p.Arg1471X), c.7603C>T (p.Arg2535X), c.8515C>T (p.Arg2839X)). The variant allele was found at a frequency of 1.2e-05 in 251320 control chromosomes (gnomAD and Hennies_2004) and has been reported in the literature in individuals affected with Cohen Syndrome (example Hennies_2004, Seifert_2006, Tsangaris_2011). These data indicate that the variant is likely to be associated with disease. To our knowledge, no experimental evidence demonstrating an impact on protein function has been reported. One clinical diagnostic laboratory has a submitted clinical-significance assessment for this variant to ClinVar after 2014 and classified the variant as pathogenic. Based on the evidence outlined above, the variant was classified as likely pathogenic.

Blueprint Genetics
Classification: Pathogenic for VPS13B-related disorders. Last evaluated: 2021-08-18. Review status: criteria provided, single submitter. Criteria: ACMG Guidelines, 2015. Collection method: clinical testing. Allele origin: germline. Affected: yes. Observed: 1 variant allele.

SNPedia
Classification: Pathogenic. Review status: no assertion criteria provided. Collection method: not provided. Allele origin: germline. Not counted in ClinVar's aggregate classification.
ClinVar note: Converted during submission from pathogenic to Pathogenic.

Literature cited by the submitters: PubMed 15141358 (cited by Labcorp Genetics (formerly Invitae), Labcorp); PubMed 16648375 (cited by 3 submitters); PubMed 20461111 (cited by Labcorp Genetics (formerly Invitae), Labcorp); PubMed 15154116 (cited by 3 submitters); PubMed 21659346 (cited by Women's Health and Genetics/Laboratory Corporation of America, LabCorp).

NM_152564.5(VPS13B):c.1504C>T (p.Arg502Ter)

Gene: VPS13B (vacuolar protein sorting 13 homolog B; plus strand). Cytogenetic location: 8q22.2.
Variant type: single nucleotide variant.
Coding change: c.1504C>T on transcript NM_152564.5 (MANE Select); coding-DNA position 1504, C replaced by T.
Protein change: p.Arg502Ter; replaces arginine 502 with a stop codon.
Molecular consequence: nonsense.
Genome position (GRCh38, 1-based): chr8:99,135,674, C>T. VCF-style: chr8-99135674-C-T. GRCh37 (hg19) VCF-style: chr8-100147902-C-T.
Other names: c.1504C>T, p.Arg502Ter (NM_015243.3, NM_017890.5); short protein forms R502*.
Identifiers: ClinVar variation 68083 (VCV000068083.15), dbSNP rs180177354, ClinGen allele CA284776.
Genomic context (GRCh38, chr8:99,135,674, plus strand): 5'-TGTGGTGACAATTTGAGTACGAAAGGTTTCACATACCTTACAAATTCATTGTTTGATTAC[C>T]GAAGCCCAGAAAATAATGGTACTCGCGCAGAATTTATCTTGGATTCAACTCATCATAAGG-3'